The following is an entry in ClinVar:

NM_000237.3(LPL):c.542-8C>T

Gene: LPL (lipoprotein lipase; plus strand). Cytogenetic location: 8p21.3.
Variant type: single nucleotide variant.
Coding change: c.542-8C>T on transcript NM_000237.3 (MANE Select); 8 bases into the intron before coding-DNA position 542, C replaced by T.
Molecular consequence: intron variant.
Genome position (GRCh38, 1-based): chr8:19,954,112, C>T. VCF-style: chr8-19954112-C-T. GRCh37 (hg19) VCF-style: chr8-19811623-C-T.
Identifiers: ClinVar variation 754435 (VCV000754435.12), dbSNP rs201634558, ClinGen allele CA4655463.

ClinVar aggregate classification (germline): Benign/Likely benign. Review status: criteria provided, multiple submitters, no conflicts (2 of 4 stars). 3 submissions from 3 submitters: Benign (1); Likely benign (1). 1 of the submissions does not count toward it. Last evaluated 2025-12-31.

Conditions:
Hyperlipoproteinemia, type I. Also called: Lipoprotein Lipase Deficiency; HYPERLIPOPROTEINEMIA, TYPE IA; LPL DEFICIENCY; Hyperlipoproteinemia type 1; Hyperchylomicro-nemia familial; Familial chylomicronemia. Identifiers: Orphanet 309015, Orphanet 444490, MedGen C0023817, MONDO:0009387, OMIM 238600. Disease mechanism: loss of function.

Allele frequency attached by ClinVar (database versions not stated): gnomAD 0.00054 and 0.00059; 1000 Genomes Project 30x 0.00062; gnomAD exomes 0.00018 and 0.00004; ExAC 0.00021; ESP Exome Variant Server 0.00031; 1000 Genomes Project 0.00060; TOPMed 0.00056.
gnomAD v4.1: 148 of 1,608,482 alleles (0.0092%); highest among the groups gnomAD compares: African/African-American, 0.17%; no homozygotes.

Submissions (3):

Labcorp Genetics (formerly Invitae), Labcorp
Classification: Benign. Last evaluated: 2025-12-31. Review status: criteria provided, single submitter. Criteria: Invitae Variant Classification Sherloc (09022015). Collection method: clinical testing. Allele origin: germline.

Women's Health and Genetics/Laboratory Corporation of America, LabCorp
Classification: Likely benign. Last evaluated: 2025-04-24. Review status: criteria provided, single submitter. Criteria: LabCorp Variant Classification Summary - May 2015. Collection method: clinical testing. Allele origin: germline.
Comment: Variant summary: LPL c.542-8C>T alters a non-conserved nucleotide located at a position not widely known to affect splicing. Consensus agreement among computation tools predict no significant impact on normal splicing. However, these predictions have yet to be confirmed by functional studies. The variant allele was found at a frequency of 0.00018 in 251326 control chromosomes. This frequency is not significantly higher than estimated for a pathogenic variant in LPL causing Familial Lipoprotein Lipase Deficiency (0.00018 vs 0.0034), allowing no conclusion about variant significance. To our knowledge, no occurrence of c.542-8C>T in individuals affected with Familial Lipoprotein Lipase Deficiency and no experimental evidence demonstrating its impact on protein function have been reported. ClinVar contains an entry for this variant (Variation ID: 754435). Based on the evidence outlined above, the variant was classified as likely benign.

Natera, Inc.
Classification: Likely benign for Lipoprotein lipase deficiency. Last evaluated: 2019-10-24. Review status: no assertion criteria provided. Collection method: clinical testing. Allele origin: germline. Not counted in ClinVar's aggregate classification.